The following is an entry in ClinVar:

ClinVar aggregate classification (germline): Likely benign (1 of 4 stars; one submission).

Conditions:
Familial thoracic aortic aneurysm and aortic dissection (TAAD). Also called: Thoracic aortic aneurysms and dissections. Identifiers: Orphanet 91387, MedGen C4707243, MONDO:0019625.

Submission:

All of Us Research Program, National Institutes of Health
Classification: Likely benign for Familial thoracic aortic aneurysm and aortic dissection. Last evaluated: 2024-04-16. Review status: criteria provided, single submitter. Criteria: ACMG Guidelines, 2015. Collection method: clinical testing. Allele origin: germline. Inheritance: Autosomal dominant inheritance. Observed: 1 variant allele, 1 heterozygote.
Comment: This study involves interpretation of variants in research participants for the purpose of population health screening. Participant phenotype was not available at the time of variant classification. Additional details can be found in publication PMID: 35346344, PMCID: PMC8962531

NM_002474.3(MYH11):c.4170G>A (p.Leu1390=)

Genes: NDE1 (nudE neurodevelopment protein 1; plus strand), MYH11 (myosin heavy chain 11; minus strand). Cytogenetic location: 16p13.11.
Variant type: single nucleotide variant.
Coding change: c.4170G>A on transcript NM_002474.3 (MANE Select); coding-DNA position 4170, G replaced by A.
Protein change: p.Leu1390=; no amino-acid change (leucine 1390 retained).
Molecular consequence: synonymous variant. On other transcripts: 3 prime UTR variant (2).
Genome position (GRCh38, 1-based): chr16:15,724,356, C>T on the plus strand (G>A on the coding strand, the complement: MYH11 is on the minus strand). VCF-style: chr16-15724356-C-T. GRCh37 (hg19) VCF-style: chr16-15818213-C-T.
Other names: c.4191G>A, p.Leu1397= (NM_001040113.2, NM_001040114.2); c.4170G>A, p.Leu1390= (NM_022844.3); c.*105C>T (NM_001143979.2, NM_017668.3).
Identifiers: ClinVar variation 3387184 (VCV003387184.1).
Genomic context (GRCh38, chr16:15,724,356, plus strand): 5'-CTCCTCGTACTGCTGGGTGAGGTTCTCGATCTCCTTCTGGAACCTCTTCTTCCCCTCTTC[C>T]AGAGCTTCCACGGTGCTGGCAAAGTCCTGCAGCTTCTTCTTCGAGTCGGAGAGCTACAAG-3'
Protein context (NP_002465.1, residues 1380-1400): LQDFASTVEA[Leu1390=]EEGKKRFQKE